The following is an entry in ClinVar:

ClinVar aggregate classification (germline): Pathogenic. Review status: criteria provided, multiple submitters, no conflicts (2 of 4 stars). 4 submissions from 3 submitters: Pathogenic (3). 1 of the submissions does not count toward it. Last evaluated 2024-10-04.

Conditions:
Alstrom syndrome (ALMS). Identifiers: Orphanet 64, MedGen C0268425, MONDO:0008763, OMIM 203800.

Submissions (4):

Dubai Health Genomic Medicine Center, Dubai Health
Classification: Pathogenic for Alstrom syndrome. Last evaluated: 2024-10-04. Review status: criteria provided, single submitter. Criteria: ACMG Guidelines, 2015. Collection method: research. Allele origin: germline. Affected: yes.
Comment: PVS1,PS3,PP1,PM2

Genomic Medicine Center of Excellence, King Faisal Specialist Hospital and Research Centre
Classification: Pathogenic for Alstrom syndrome. Last evaluated: 2024-03-17. Review status: criteria provided, single submitter. Criteria: ACMG Guidelines, 2015. Collection method: research. Allele origin: germline.

Labcorp Genetics (formerly Invitae), Labcorp
Classification: Pathogenic for Alstrom syndrome. Last evaluated: 2022-05-28. Review status: criteria provided, single submitter. Criteria: Invitae Variant Classification Sherloc (09022015). Collection method: clinical testing. Allele origin: germline.
Comment: For these reasons, this variant has been classified as Pathogenic. This sequence change affects an acceptor splice site in intron 18 of the ALMS1 gene. RNA analysis indicates that disruption of this splice site induces altered splicing and may result in an absent or disrupted protein product. This variant is not present in population databases (gnomAD no frequency). Disruption of this splice site has been observed in individuals with Alström syndrome (PMID: 19283855, 33981653). It has also been observed to segregate with disease in related individuals. This variant is also known as IVS18-2A>T. ClinVar contains an entry for this variant (Variation ID: 191115). Studies have shown that disruption of this splice site results in skipping of exon 19 and introduces a premature termination codon (PMID: 19283855). The resulting mRNA is expected to undergo nonsense-mediated decay.

Genomic Medicine Center of Excellence, King Faisal Specialist Hospital and Research Centre
Classification: Likely pathogenic. Review status: flagged submission. Criteria: ACMG Guidelines, 2015. Collection method: research. Allele origin: germline. Affected: yes. Not counted in ClinVar's aggregate classification.
ClinVar note: Reason: This record appears to be redundant with a more recent record from the same submitter.
ClinVar note: Notes: SCV000221493 appears to be redundant with SCV004804865.

Literature cited by the submitters: PubMed 19283855 (cited by Labcorp Genetics (formerly Invitae), Labcorp); PubMed 33981653 (cited by Labcorp Genetics (formerly Invitae), Labcorp).

NM_001378454.1(ALMS1):c.11873-2A>T

Genes: ALMS1 (ALMS1 centrosome and basal body associated protein; plus strand), LOC126806252 (BRD4-independent group 4 enhancer GRCh37_chr2:73828496-73829695; plus strand). Cytogenetic location: 2p13.1.
Variant type: single nucleotide variant.
Coding change: c.11873-2A>T on transcript NM_001378454.1 (MANE Select); the canonical splice acceptor site of the intron before coding-DNA position 11873, A replaced by T.
Molecular consequence: splice acceptor variant.
Genome position (GRCh38, 1-based): chr2:73,601,193, A>T. VCF-style: chr2-73601193-A-T. GRCh37 (hg19) VCF-style: chr2-73828320-A-T.
Other names: c.11873-2A>T (NM_015120.4).
Identifiers: ClinVar variation 191115 (VCV000191115.9), dbSNP rs786205527, ClinGen allele CA236054.